The following is an entry in ClinVar:

NM_001170629.2(CHD8):c.7200G>A (p.Thr2400=)

Gene: CHD8 (chromodomain helicase DNA binding protein 8; minus strand). Cytogenetic location: 14q11.2.
Variant type: single nucleotide variant.
Coding change: c.7200G>A on transcript NM_001170629.2 (MANE Select); coding-DNA position 7200, G replaced by A.
Protein change: p.Thr2400=; no amino-acid change (threonine 2400 retained).
Molecular consequence: synonymous variant.
Genome position (GRCh38, 1-based): chr14:21,386,159, C>T on the plus strand (G>A on the coding strand, the complement: CHD8 is on the minus strand). VCF-style: chr14-21386159-C-T. GRCh37 (hg19) VCF-style: chr14-21854318-C-T.
Other names: c.6363G>A, p.Thr2121= (NM_020920.4).
Identifiers: ClinVar variation 1757667 (VCV001757667.13), dbSNP rs374872628, ClinGen allele CA7090576.

ClinVar aggregate classification (germline): Likely benign. Review status: criteria provided, multiple submitters, no conflicts (2 of 4 stars). 4 submissions from 4 submitters: Likely benign (4). Last evaluated 2025-12-01.

Conditions:
Inborn genetic diseases. Identifiers: MedGen C0950123, MeSH D030342.

Allele frequency attached by ClinVar (database versions not stated): gnomAD 0.00014; TOPMed 0.00016; ExAC 0.00022; ESP Exome Variant Server 0.00026; gnomAD exomes 0.00029.
gnomAD v4.1: 419 of 1,551,566 alleles (0.027%); highest among the groups gnomAD compares: Non-Finnish European, 0.036%; no homozygotes.

Submissions (4):

CeGaT Center for Human Genetics Tuebingen
Classification: Likely benign. Last evaluated: 2025-12-01. Review status: criteria provided, single submitter. Criteria: CeGaT Center For Human Genetics Tuebingen Variant Classification Criteria Version 2. Collection method: clinical testing. Allele origin: germline. Affected: yes. Observed: 1 variant allele.
Comment: CHD8: BP4, BP7

Laboratory of Genetics, Children's Clinical University Hospital Latvia
Classification: Likely benign. Last evaluated: 2025-02-16. Review status: criteria provided, single submitter. Criteria: ACMG Guidelines, 2015. Collection method: clinical testing. Allele origin: germline. Affected: yes.

Labcorp Genetics (formerly Invitae), Labcorp
Classification: Likely benign. Last evaluated: 2024-10-08. Review status: criteria provided, single submitter. Criteria: Invitae Variant Classification Sherloc (09022015). Collection method: clinical testing. Allele origin: germline.

Ambry Genetics
Classification: Likely benign for Inborn genetic diseases. Last evaluated: 2020-07-24. Review status: criteria provided, single submitter. Criteria: Ambry Variant Classification Scheme 2023. Collection method: clinical testing. Allele origin: germline.